The following is an entry in ClinVar:

NM_001374736.1(DST):c.21560G>T (p.Arg7187Ile)

Gene: DST (dystonin; minus strand). Cytogenetic location: 6p12.1.
Variant type: single nucleotide variant.
Coding change: c.21560G>T on transcript NM_001374736.1 (MANE Select); coding-DNA position 21560, G replaced by T.
Protein change: p.Arg7187Ile; replaces arginine 7187 with isoleucine.
Molecular consequence: missense variant.
Genome position (GRCh38, 1-based): chr6:56,477,460, C>A on the plus strand (G>T on the coding strand, the complement: DST is on the minus strand). VCF-style: chr6-56477460-C-A. GRCh37 (hg19) VCF-style: chr6-56342258-C-A.
Other names: c.15203G>T, p.Arg5068Ile (NM_001144769.5); c.14789G>T, p.Arg4930Ile (NM_001144770.2); c.21560G>T, p.Arg7187Ile (NM_001374722.1); c.20600G>T, p.Arg6867Ile (NM_001374729.1); c.14342G>T, p.Arg4781Ile (NM_001374730.1); c.21587G>T, p.Arg7196Ile (NM_001374734.1); c.14669G>T, p.Arg4890Ile (NM_001386100.1, NM_183380.4); c.13691G>T, p.Arg4564Ile (NM_015548.5); short protein forms R4890I, R5068I, R7187I, R7196I, R4930I, R6867I, R4564I, R4781I.
Identifiers: ClinVar variation 1929505 (VCV001929505.5), dbSNP rs2533592500, ClinGen allele CA364511265.

ClinVar aggregate classification (germline): Uncertain significance (1 of 4 stars; one submission).

Conditions:
Hereditary sensory and autonomic neuropathy type 6. Also called: HSAN VI; Neuropathy, hereditary sensory and autonomic, type VI. Identifiers: Orphanet 314381, MedGen C3539003, MONDO:0013839, OMIM 614653.
Epidermolysis bullosa simplex 3, localized or generalized intermediate, with BP230 deficiency (EBS3). Also called: Epidermolysis bullosa simplex, autosomal recessive 2; Epidermolysis bullosa simplex due to BP230 deficiency. Identifiers: Orphanet 412181, MedGen C3809470, MONDO:0014180, OMIM 615425.

Allele frequency attached by ClinVar (database versions not stated): gnomAD exomes below 0.00001.
gnomAD v4.1: 2 of 1,613,982 alleles (0.00012%); highest among the groups gnomAD compares: Non-Finnish European, 0.000085%; no homozygotes.

Submission:

Labcorp Genetics (formerly Invitae), Labcorp
Classification: Uncertain significance for Epidermolysis bullosa simplex 3, localized or generalized intermediate, with BP230 deficiency; Hereditary sensory and autonomic neuropathy type 6. Last evaluated: 2022-06-14. Review status: criteria provided, single submitter. Criteria: Invitae Variant Classification Sherloc (09022015). Collection method: clinical testing. Allele origin: germline.
Comment: Experimental studies and prediction algorithms are not available or were not evaluated, and the functional significance of this variant is currently unknown. This variant has not been reported in the literature in individuals affected with DST-related conditions. This variant is not present in population databases (gnomAD no frequency). This sequence change replaces arginine, which is basic and polar, with isoleucine, which is neutral and non-polar, at codon 4564 of the DST protein (p.Arg4564Ile). The DST gene has multiple clinically relevant transcripts. This variant occurs in alternate transcript NM_015548.4, and corresponds to NM_001723.5(DST):c.*138057G>T in the primary transcript. In summary, the available evidence is currently insufficient to determine the role of this variant in disease. Therefore, it has been classified as a Variant of Uncertain Significance.